The following is an entry in ClinVar:

NM_003705.5(SLC25A12):c.1533T>G (p.Asp511Glu)

Gene: SLC25A12 (solute carrier family 25 member 12; minus strand). Cytogenetic location: 2q31.1.
Variant type: single nucleotide variant.
Coding change: c.1533T>G on transcript NM_003705.5 (MANE Select); coding-DNA position 1533, T replaced by G.
Protein change: p.Asp511Glu; replaces aspartic acid 511 with glutamic acid.
Molecular consequence: missense variant. On other transcripts: non-coding transcript variant (1).
Genome position (GRCh38, 1-based): chr2:171,791,503, A>C on the plus strand (T>G on the coding strand, the complement: SLC25A12 is on the minus strand). VCF-style: chr2-171791503-A-C. GRCh37 (hg19) VCF-style: chr2-172648013-A-C.
Other names: c.1533T>G (NM_003705.3); short protein forms D511E.
Identifiers: ClinVar variation 949448 (VCV000949448.9), dbSNP rs774997369, ClinGen allele CA60658342.

ClinVar aggregate classification (germline): Uncertain significance. Review status: criteria provided, multiple submitters, no conflicts (2 of 4 stars). 2 submissions from 2 submitters: Uncertain significance (2). Last evaluated 2023-07-10.

Conditions:
Inborn genetic diseases. Identifiers: MedGen C0950123, MeSH D030342.

Allele frequency attached by ClinVar (database versions not stated): gnomAD 0.00001; TOPMed 0.00001.
gnomAD v4.1: 23 of 1,613,980 alleles (0.0014%); highest among the groups gnomAD compares: Non-Finnish European, 0.0019%; no homozygotes.

Submissions (2):

Labcorp Genetics (formerly Invitae), Labcorp
Classification: Uncertain significance. Last evaluated: 2023-07-10. Review status: criteria provided, single submitter. Criteria: Invitae Variant Classification Sherloc (09022015). Collection method: clinical testing. Allele origin: germline.
Comment: ClinVar contains an entry for this variant (Variation ID: 949448). This sequence change replaces aspartic acid, which is acidic and polar, with glutamic acid, which is acidic and polar, at codon 511 of the SLC25A12 protein (p.Asp511Glu). This variant is present in population databases (rs774997369, gnomAD 0.002%). This variant has not been reported in the literature in individuals affected with SLC25A12-related conditions. Advanced modeling of protein sequence and biophysical properties (such as structural, functional, and spatial information, amino acid conservation, physicochemical variation, residue mobility, and thermodynamic stability) performed at Invitae indicates that this missense variant is not expected to disrupt SLC25A12 protein function. In summary, the available evidence is currently insufficient to determine the role of this variant in disease. Therefore, it has been classified as a Variant of Uncertain Significance.

Ambry Genetics
Classification: Uncertain significance for Inborn genetic diseases. Last evaluated: 2023-05-23. Review status: criteria provided, single submitter. Criteria: Ambry Variant Classification Scheme 2023. Collection method: clinical testing. Allele origin: germline.